The following is an entry in ClinVar:

NM_001039141.3(TRIOBP):c.6936+13G>T

Gene: TRIOBP (TRIO and F-actin binding protein; plus strand). Cytogenetic location: 22q13.1.
Variant type: single nucleotide variant.
Coding change: c.6936+13G>T on transcript NM_001039141.3 (MANE Select); 13 bases into the intron after coding-DNA position 6936, G replaced by T.
Molecular consequence: intron variant.
Genome position (GRCh38, 1-based): chr22:37,771,749, G>T. VCF-style: chr22-37771749-G-T. GRCh37 (hg19) VCF-style: chr22-38167756-G-T.
Other names: c.1797+13G>T (NM_007032.5).
Identifiers: ClinVar variation 165615 (VCV000165615.12), dbSNP rs727503529, ClinGen allele CA178364.

ClinVar aggregate classification (germline): Benign/Likely benign. Review status: criteria provided, multiple submitters, no conflicts (2 of 4 stars). 2 submissions from 2 submitters: Benign (1); Likely benign (1). Last evaluated 2026-01-18.

Allele frequency attached by ClinVar (database versions not stated): TOPMed 0.00025.
gnomAD v4.1: 163 of 1,613,738 alleles (0.01%); highest among the groups gnomAD compares: Admixed American, 0.26%; 3 homozygotes.

Submissions (2):

Labcorp Genetics (formerly Invitae), Labcorp
Classification: Benign. Last evaluated: 2026-01-18. Review status: criteria provided, single submitter. Criteria: Invitae Variant Classification Sherloc (09022015). Collection method: clinical testing. Allele origin: germline.

Laboratory for Molecular Medicine, Mass General Brigham Personalized Medicine
Classification: Likely benign. Last evaluated: 2017-03-29. Review status: criteria provided, single submitter. Criteria: LMM Criteria. Collection method: clinical testing. Allele origin: germline. Observed: 2 variant alleles.
Comment: c.6936+13G>T in intron 22 of TRIOBP: This variant is not expected to have clinic al significance because it does not alter an amino acid residue and is not locat ed within the splice consensus sequence. It has been identified in 0.2% (69/3358 0) of Latino chromosomes, including 1 homozygote, by the Genome Aggregation Data base (gnomAD; dbSNP rs727503529).